The following is an entry in ClinVar:

ClinVar aggregate classification (germline): Benign/Likely benign. Review status: criteria provided, multiple submitters, no conflicts (2 of 4 stars). 5 submissions from 5 submitters: Benign (1); Likely benign (2). 2 of the submissions do not count toward it. Last evaluated 2026-01-11.

Conditions:
Creatine transporter deficiency (CCDS1). Also called: Mental retardation , X-linked with seizures, short stature and midface hypoplasia; Mental retardation , X-linked, with creatine transport deficiency; X-linked creatine transporter deficiency; X-linked creatine deficiency syndrome; SLC6A8-Related Creatine Transporter Deficiency; CREATINE TRANSPORTER DEFECT. Identifiers: Orphanet 52503, MedGen C1845862, MONDO:0010305, OMIM 300352.

Allele frequency attached by ClinVar (database versions not stated): gnomAD 0.00029; ESP Exome Variant Server 0.00049; TOPMed 0.00068; 1000 Genomes Project 0.00079.

Submissions (5):

Labcorp Genetics (formerly Invitae), Labcorp
Classification: Benign for Creatine transporter deficiency. Last evaluated: 2026-01-11. Review status: criteria provided, single submitter. Criteria: Invitae Variant Classification Sherloc (09022015). Collection method: clinical testing. Allele origin: germline.

Blueprint Genetics
Classification: Likely benign. Last evaluated: 2024-11-25. Review status: criteria provided, single submitter. Criteria: ACMG Guidelines, 2015. Collection method: clinical testing. Allele origin: germline.

GeneDx
Classification: Likely benign. Last evaluated: 2016-11-02. Review status: criteria provided, single submitter. Criteria: GeneDx Variant Classification (06012015). Collection method: clinical testing. Allele origin: germline. Affected: yes.
Comment: This variant is considered likely benign or benign based on one or more of the following criteria: it is a conservative change, it occurs at a poorly conserved position in the protein, it is predicted to be benign by multiple in silico algorithms, and/or has population frequency not consistent with disease.

Diagnostic Laboratory, Department of Genetics, University Medical Center Groningen
Classification: Likely benign for Creatine transporter deficiency. Review status: no assertion criteria provided. Collection method: clinical testing. Allele origin: germline. Affected: yes. Study: VKGL Data-share Consensus. Not counted in ClinVar's aggregate classification.

Genome Diagnostics Laboratory, University Medical Center Utrecht
Classification: Benign. Review status: no assertion criteria provided. Collection method: clinical testing. Allele origin: germline. Affected: yes. Study: VKGL Data-share Consensus. Not counted in ClinVar's aggregate classification.

NM_005629.4(SLC6A8):c.1767+15C>T

Gene: SLC6A8 (solute carrier family 6 member 8; plus strand). Cytogenetic location: Xq28.
Variant type: single nucleotide variant.
Coding change: c.1767+15C>T on transcript NM_005629.4 (MANE Select); 15 bases into the intron after coding-DNA position 1767, C replaced by T.
Molecular consequence: intron variant.
Genome position (GRCh38, 1-based): chrX:153,694,904, C>T. VCF-style: chrX-153694904-C-T. GRCh37 (hg19) VCF-style: chrX-152960359-C-T.
Other names: c.1737+15C>T (NM_001142805.2); c.1422+15C>T (NM_001142806.1).
Identifiers: ClinVar variation 383494 (VCV000383494.10), dbSNP rs370331295, ClinGen allele CA10549638.